The following is an entry in ClinVar:

ClinVar aggregate classification (germline): Uncertain significance (1 of 4 stars; one submission).

Conditions:
Inborn genetic diseases. Identifiers: MedGen C0950123, MeSH D030342.

Allele frequency attached by ClinVar (database versions not stated): TOPMed 0.00001.
gnomAD v4.1: 7 of 1,600,458 alleles (0.00044%); highest among the groups gnomAD compares: Admixed American, 0.0017%; no homozygotes.

Submission:

Ambry Genetics
Classification: Uncertain significance for Inborn genetic diseases. Last evaluated: 2022-09-16. Review status: criteria provided, single submitter. Criteria: Ambry Variant Classification Scheme 2023. Collection method: clinical testing. Allele origin: germline.
Comment: The p.Y476C variant (also known as c.1427A>G), located in coding exon 4 of the SMAD6 gene, results from an A to G substitution at nucleotide position 1427. The tyrosine at codon 476 is replaced by cysteine, an amino acid with highly dissimilar properties. This amino acid position is conserved. In addition, this alteration is predicted to be deleterious by in silico analysis. Since supporting evidence is limited at this time, the clinical significance of this alteration remains unclear.

NM_005585.5(SMAD6):c.1427A>G (p.Tyr476Cys)

Gene: SMAD6 (SMAD family member 6; plus strand). Cytogenetic location: 15q22.31.
Variant type: single nucleotide variant.
Coding change: c.1427A>G on transcript NM_005585.5 (MANE Select); coding-DNA position 1427, A replaced by G.
Protein change: p.Tyr476Cys; replaces tyrosine 476 with cysteine.
Molecular consequence: missense variant. On other transcripts: non-coding transcript variant (1).
Genome position (GRCh38, 1-based): chr15:66,781,471, A>G. VCF-style: chr15-66781471-A-G. GRCh37 (hg19) VCF-style: chr15-67073809-A-G.
Other names: short protein forms Y476C.
Identifiers: ClinVar variation 1772395 (VCV001772395.2), dbSNP rs1038045318, ClinGen allele CA272023930.